The following is an entry in ClinVar:

ClinVar aggregate classification (germline): Uncertain significance. Review status: criteria provided, multiple submitters, no conflicts (2 of 4 stars). 2 submissions from 2 submitters: Uncertain significance (2). Last evaluated 2021-09-15.

Conditions:
C1Q deficiency. Identifiers: MedGen C3150902, MONDO:0013343.
Inborn genetic diseases. Identifiers: MedGen C0950123, MeSH D030342.

Allele frequency attached by ClinVar (database versions not stated): gnomAD exomes below 0.00001; gnomAD 0.00001.
gnomAD v4.1: 2 of 1,613,940 alleles (0.00012%); highest among the groups gnomAD compares: Non-Finnish European, 0.00017%; no homozygotes.

Submissions (2):

Ambry Genetics
Classification: Uncertain significance for Inborn genetic diseases. Last evaluated: 2021-09-15. Review status: criteria provided, single submitter. Criteria: Ambry Variant Classification Scheme 2023. Collection method: clinical testing. Allele origin: germline.

Neuberg Centre For Genomic Medicine, NCGM
Classification: Uncertain significance for C1Q deficiency 1. Review status: criteria provided, single submitter. Criteria: ACMG Guidelines, 2015. Collection method: clinical testing. Allele origin: germline. Inheritance: Autosomal recessive inheritance. Affected: yes.
Comment: The missense c.371C>A(p.Ala124Asp) variant in C1QB gene has not been reported previously as a pathogenic variant nor as a benign variant, to our knowledge. The p.Ala124Asp variant is reported with an allele frequency of 0.0004% in the gnomAD exomes database and is novel (not in any individuals) in 1000 Genomes database. This variant has not been reported to the ClinVar database. The amino acid change p.Ala124Asp in C1QB is predicted as conserved by GERP++ and PhyloP across 100 vertebrates. The amino acid Ala at position 124 is changed to a Asp changing protein sequence and it might alter its composition and physico-chemical properties. For these reasons, this variant has been classified as Variant of Uncertain Significance.

NM_001378156.1(C1QB):c.371C>A (p.Ala124Asp)

Gene: C1QB (complement C1q B chain; plus strand). Cytogenetic location: 1p36.12.
Variant type: single nucleotide variant.
Coding change: c.371C>A on transcript NM_001378156.1 (MANE Select); coding-DNA position 371, C replaced by A.
Protein change: p.Ala124Asp; replaces alanine 124 with aspartic acid.
Molecular consequence: missense variant.
Genome position (GRCh38, 1-based): chr1:22,661,001, C>A. VCF-style: chr1-22661001-C-A. GRCh37 (hg19) VCF-style: chr1-22987494-C-A.
Other names: c.377C>A, p.Ala126Asp (NM_000491.5); c.371C>A, p.Ala124Asp (NM_001371184.3); short protein forms A126D, A124D.
Identifiers: ClinVar variation 2249605 (VCV002249605.3), dbSNP rs1439582792, ClinGen allele CA338947039.